The following is an entry in ClinVar:

ClinVar aggregate classification (germline): Uncertain significance. Review status: criteria provided, multiple submitters, no conflicts (2 of 4 stars). 2 submissions from 2 submitters: Uncertain significance (2). Last evaluated 2024-03-07.

Conditions:
Short-rib thoracic dysplasia 10 with or without polydactyly (SRTD10). Identifiers: Orphanet 474, MedGen C3810175, MONDO:0014284, OMIM 615630.
Retinitis pigmentosa 71 (RP71). Identifiers: Orphanet 791, MedGen C4225342, MONDO:0014618, OMIM 616394.
Bardet-Biedl syndrome 20. Identifiers: MedGen C4310707, MONDO:0023670, OMIM 619471, MONDO:0014926.

Allele frequency attached by ClinVar (database versions not stated): ExAC 0.00001; gnomAD 0.00001; gnomAD exomes 0.00001.
gnomAD v4.1: 17 of 1,614,010 alleles (0.0011%); highest among the groups gnomAD compares: South Asian, 0.011%; no homozygotes.

Submissions (2):

Fulgent Genetics
Classification: Uncertain significance for Short-rib thoracic dysplasia 10 with or without polydactyly; Retinitis pigmentosa 71; Bardet-Biedl syndrome 20. Last evaluated: 2024-03-07. Review status: criteria provided, single submitter. Criteria: ACMG Guidelines, 2015. Collection method: clinical testing. Allele origin: germline.

Labcorp Genetics (formerly Invitae), Labcorp
Classification: Uncertain significance for Retinitis pigmentosa 71; Short-rib thoracic dysplasia 10 with or without polydactyly. Last evaluated: 2024-03-02. Review status: criteria provided, single submitter. Criteria: Invitae Variant Classification Sherloc (09022015). Collection method: clinical testing. Allele origin: germline.
Comment: This sequence change replaces arginine, which is basic and polar, with histidine, which is basic and polar, at codon 833 of the IFT172 protein (p.Arg833His). This variant is present in population databases (rs756767071, gnomAD 0.01%). This variant has not been reported in the literature in individuals affected with IFT172-related conditions. ClinVar contains an entry for this variant (Variation ID: 1403716). Advanced modeling of protein sequence and biophysical properties (such as structural, functional, and spatial information, amino acid conservation, physicochemical variation, residue mobility, and thermodynamic stability) performed at Invitae indicates that this missense variant is not expected to disrupt IFT172 protein function with a negative predictive value of 80%. In summary, the available evidence is currently insufficient to determine the role of this variant in disease. Therefore, it has been classified as a Variant of Uncertain Significance.

NM_015662.3(IFT172):c.2498G>A (p.Arg833His)

Gene: IFT172 (intraflagellar transport 172; minus strand). Cytogenetic location: 2p23.3.
Variant type: single nucleotide variant.
Coding change: c.2498G>A on transcript NM_015662.3 (MANE Select); coding-DNA position 2498, G replaced by A.
Protein change: p.Arg833His; replaces arginine 833 with histidine.
Molecular consequence: missense variant.
Genome position (GRCh38, 1-based): chr2:27,461,038, C>T on the plus strand (G>A on the coding strand, the complement: IFT172 is on the minus strand). VCF-style: chr2-27461038-C-T. GRCh37 (hg19) VCF-style: chr2-27683905-C-T.
Other names: short protein forms R833H.
Identifiers: ClinVar variation 1403716 (VCV001403716.5), dbSNP rs756767071, ClinGen allele CA1580289.